The following is an entry in ClinVar:

ClinVar aggregate classification (germline): Conflicting classifications of pathogenicity. Review status: criteria provided, conflicting classifications (1 of 4 stars). 3 submissions from 3 submitters: Uncertain significance (1); Likely benign (1). 1 of the submissions does not count toward it. Last evaluated 2025-12-28.

Conditions:
BMP1-related disorder. Also called: BMP1-related condition.
Osteogenesis imperfecta type 13. Also called: Osteogenesis imperfecta, type xiii; OI, TYPE XIII. Identifiers: Orphanet 666, MedGen C3553887, MONDO:0013924, OMIM 614856.

Allele frequency attached by ClinVar (database versions not stated): ExAC 0.00001; gnomAD exomes 0.00001 and 0.00002; gnomAD 0.00002; TOPMed 0.00002; ESP Exome Variant Server 0.00008.
gnomAD v4.1: 30 of 1,614,068 alleles (0.0019%); highest among the groups gnomAD compares: Middle Eastern, 0.033%; no homozygotes.

Submissions (3):

Labcorp Genetics (formerly Invitae), Labcorp
Classification: Likely benign. Last evaluated: 2025-12-28. Review status: criteria provided, single submitter. Criteria: Invitae Variant Classification Sherloc (09022015). Collection method: clinical testing. Allele origin: germline.

Illumina Laboratory Services, Illumina
Classification: Uncertain significance for Osteogenesis imperfecta type 13. Last evaluated: 2018-01-12. Review status: criteria provided, single submitter. Criteria: ICSL Variant Classification Criteria 13 December 2019. Collection method: clinical testing. Allele origin: germline.

PreventionGenetics, part of Exact Sciences
Classification: Likely benign for BMP1-related condition. Last evaluated: 2021-10-19. Review status: no assertion criteria provided. Collection method: clinical testing. Allele origin: germline. Not counted in ClinVar's aggregate classification.
Comment: This variant is classified as likely benign based on ACMG/AMP sequence variant interpretation guidelines (Richards et al. 2015 PMID: 25741868, with internal and published modifications).

NM_006129.5(BMP1):c.2751C>T (p.Cys917=)

Gene: BMP1 (bone morphogenetic protein 1; plus strand). Cytogenetic location: 8p21.3.
Variant type: single nucleotide variant.
Coding change: c.2751C>T on transcript NM_006129.5 (MANE Select); coding-DNA position 2751, C replaced by T.
Protein change: p.Cys917=; no amino-acid change (cysteine 917 retained).
Molecular consequence: synonymous variant. On other transcripts: non-coding transcript variant (1).
Genome position (GRCh38, 1-based): chr8:22,209,620, C>T. VCF-style: chr8-22209620-C-T. GRCh37 (hg19) VCF-style: chr8-22067133-C-T.
Identifiers: ClinVar variation 909492 (VCV000909492.13), dbSNP rs376975956, ClinGen allele CA4665351.